The following is an entry in ClinVar:

NM_153033.5(KCTD7):c.524G>A (p.Arg175Gln)

Gene: KCTD7 (potassium channel tetramerization domain containing 7; plus strand). Cytogenetic location: 7q11.21.
Variant type: single nucleotide variant.
Coding change: c.524G>A on transcript NM_153033.5 (MANE Select); coding-DNA position 524, G replaced by A.
Protein change: p.Arg175Gln; replaces arginine 175 with glutamine.
Molecular consequence: missense variant.
Genome position (GRCh38, 1-based): chr7:66,638,886, G>A. VCF-style: chr7-66638886-G-A. GRCh37 (hg19) VCF-style: chr7-66103873-G-A.
Other names: c.524G>A, p.Arg175Gln (NM_001167961.2); short protein forms R175Q.
Identifiers: ClinVar variation 908986 (VCV000908986.12), dbSNP rs758709078, ClinGen allele CA4278287.

ClinVar aggregate classification (germline): Uncertain significance. Review status: criteria provided, multiple submitters, no conflicts (2 of 4 stars). 3 submissions from 3 submitters: Uncertain significance (3). Last evaluated 2022-07-05.

Conditions:
Progressive myoclonic epilepsy type 3. Also called: EPILEPSY, PROGRESSIVE MYOCLONIC, 3, WITH OR WITHOUT INTRACELLULAR INCLUSIONS; CEROID LIPOFUSCINOSIS, NEURONAL, 14; KCTD7-Related Progressive Myoclonic Epilepsy; EPILEPSY, PROGRESSIVE MYOCLONIC, 3, WITHOUT INTRACELLULAR INCLUSIONS. Identifiers: Orphanet 263516, MedGen C2673257, MONDO:0012721, OMIM 611726.

Allele frequency attached by ClinVar (database versions not stated): gnomAD 0.00001; TOPMed 0.00002.
gnomAD v4.1: 25 of 1,613,856 alleles (0.0015%); highest among the groups gnomAD compares: South Asian, 0.0066%; no homozygotes.

Submissions (3):

Labcorp Genetics (formerly Invitae), Labcorp
Classification: Uncertain significance for Progressive myoclonic epilepsy type 3. Last evaluated: 2022-07-05. Review status: criteria provided, single submitter. Criteria: Invitae Variant Classification Sherloc (09022015). Collection method: clinical testing. Allele origin: germline.
Comment: In summary, the available evidence is currently insufficient to determine the role of this variant in disease. Therefore, it has been classified as a Variant of Uncertain Significance. Algorithms developed to predict the effect of missense changes on protein structure and function output the following: SIFT: "Tolerated"; PolyPhen-2: "Benign"; Align-GVGD: "Class C0". The glutamine amino acid residue is found in multiple mammalian species, which suggests that this missense change does not adversely affect protein function. ClinVar contains an entry for this variant (Variation ID: 908986). This variant has not been reported in the literature in individuals affected with KCTD7-related conditions. This variant is present in population databases (rs758709078, gnomAD 0.04%). This sequence change replaces arginine, which is basic and polar, with glutamine, which is neutral and polar, at codon 175 of the KCTD7 protein (p.Arg175Gln).

GeneDx
Classification: Uncertain significance. Last evaluated: 2019-07-15. Review status: criteria provided, single submitter. Criteria: GeneDx Variant Classification Process June 2021. Collection method: clinical testing. Allele origin: germline. Affected: yes.
Comment: In silico analysis, which includes protein predictors and evolutionary conservation, supports a deleterious effect; Has not been previously published as pathogenic or benign to our knowledge

Illumina Laboratory Services, Illumina
Classification: Uncertain significance for Progressive myoclonic epilepsy type 3. Last evaluated: 2017-04-27. Review status: criteria provided, single submitter. Criteria: ICSL Variant Classification Criteria 13 December 2019. Collection method: clinical testing. Allele origin: germline.